The following is an entry in ClinVar:

ClinVar aggregate classification (germline): Conflicting classifications of pathogenicity. Review status: criteria provided, conflicting classifications (1 of 4 stars). 7 submissions from 7 submitters: Likely pathogenic (1); Uncertain significance (4). 2 of the submissions do not count toward it. Last evaluated 2026-09-03.

Conditions:
Pachygyria, microcephaly, developmental delay, and dysmorphic facies, with or without seizures. Also called: CORTICAL DYSPLASIA, COMPLEX, WITH OTHER BRAIN MALFORMATIONS 15. Identifiers: MedGen C5231486, MONDO:0032893, OMIM 618737.
Abnormality of neuronal migration. Identifiers: MedGen C1837249, HP:0002269.

Allele frequency attached by ClinVar (database versions not stated): gnomAD exomes 0.00007 and 0.00010; TOPMed 0.00007; ExAC 0.00008; ESP Exome Variant Server 0.00008; gnomAD 0.00008 and 0.00009.
gnomAD v4.1: 111 of 1,613,780 alleles (0.0069%); highest among the groups gnomAD compares: East Asian, 0.013%; no homozygotes.

Submissions (7):

GeneDx
Classification: Uncertain significance. Last evaluated: 2026-09-03. Review status: criteria provided, single submitter. Criteria: GeneDx Variant Classification Process June 2021. Collection method: clinical testing. Allele origin: germline.
Comment: In silico analysis supports that this missense variant has a deleterious effect on protein structure/function; Also known as p.(R297C); This variant is associated with the following publications: (PMID: 34426522, 32368696, 40017707, 31630790)

CeGaT Center for Human Genetics Tuebingen
Classification: Uncertain significance. Last evaluated: 2026-02-01. Review status: criteria provided, single submitter. Criteria: CeGaT Center For Human Genetics Tuebingen Variant Classification Criteria Version 2. Collection method: clinical testing. Allele origin: germline. Affected: yes. Observed: 2 variant alleles.
Comment: TUBGCP2: PM2, PM3:Supporting

Victorian Clinical Genetics Services, Murdoch Childrens Research Institute
Classification: Likely pathogenic for Pachygyria, microcephaly, developmental delay, and dysmorphic facies, with or without seizures. Last evaluated: 2024-12-02. Review status: criteria provided, single submitter. Criteria: ACMG Guidelines, 2015. Collection method: clinical testing. Allele origin: germline. Affected: yes.
Comment: This variant is classified as Likely pathogenic. Evidence in support of pathogenic classification: Variant is present in gnomAD <0.01 for a recessive condition (v4: 111 heterozygote(s), 0 homozygote(s)); Missense variant consistently predicted to be damaging by in silico tool or highly conserved with a major amino acid change; Heterozygous variant detected in trans with a second LIKELY PATHOGENIC heterozygous variant (NM_006659.4(TUBGCP2):c.1101_1102del; p.(Asp369Glnfs*37)) in a recessive disease. Additional information: Variant is predicted to result in a missense amino acid change from arginine to cysteine; This variant is heterozygous; This gene is associated with autosomal recessive disease; Multiple alternative amino acid changes at the same position have been observed in gnomAD (v4) (highest allele count: 10 heterozygotes, 0 homozygotes); Previous reports of pathogenicity for this variant are conflicting. This variant has been classified twice as VUS and once as likely pathogenic by clinical laboratories in ClinVar. It has also been reported in the literature in an individual with seizures, developmental delay, pachygyria and thinning of the corpus callosum (PMID: 31630790); No published functional evidence has been identified for this variant; No comparable missense variants have previous evidence for pathogenicity; Variant is located in the annotated gamma tubulin complex component N-terminal domain (DECIPHER); Loss of function is a known mechanism of disease in this gene and is associated with pachygyria, microcephaly, developmental delay, and dysmorphic facies, with or without seizures (MIM#618737); Variants in this gene are known to have variable expressivity (OMIM).

Women's Health and Genetics/Laboratory Corporation of America, LabCorp
Classification: Uncertain significance. Last evaluated: 2023-03-03. Review status: criteria provided, single submitter. Criteria: LabCorp Variant Classification Summary - May 2015. Collection method: clinical testing. Allele origin: germline.
Comment: Variant summary: TUBGCP2 c.973C>T (p.Arg325Cys) results in a non-conservative amino acid change located in the gamma tubulin complex component protein, N-terminal domain (IPR041470) of the encoded protein sequence. Four of five in-silico tools predict a damaging effect of the variant on protein function. The variant allele was found at a frequency of 9.6e-05 in 250948 control chromosomes (gnomAD). c.973C>T has been reported in the literature in the compound heterozygous state in an individual affected with Pachygyria, Microcephaly, Developmental Delay, And Dysmorphic Facies, With Or Without Seizures (Mitani_2019). It has also been reported as a de novo variant in at least one individual with with a conotruncal defect, however zygosity was not specified (Edwards_2020). These data do not allow any conclusion about variant significance. To our knowledge, no experimental evidence demonstrating an impact on protein function has been reported. Two submitters have provided clinical-significance assessments for this variant to ClinVar after 2014 and both classified the variant as pathogenic (n=1)/likely pathogenic (n=1). Based on the evidence outlined above, the variant was classified as uncertain significance.

Department of Pathology and Laboratory Medicine, Sinai Health System
Classification: Uncertain significance for Pachygyria, microcephaly, developmental delay, and dysmorphic facies, with or without seizures. Last evaluated: 2023-02-13. Review status: criteria provided, single submitter. Criteria: ACMG Guidelines, 2015. Collection method: research. Allele origin: germline.

OMIM
Classification: Pathogenic for CORTICAL DYSPLASIA, COMPLEX, WITH OTHER BRAIN MALFORMATIONS 15. Last evaluated: 2023-11-02. Review status: no assertion criteria provided. Collection method: literature only. Allele origin: germline. Not counted in ClinVar's aggregate classification.

Lupski Lab, Baylor-Hopkins CMG, Baylor College of Medicine
Classification: Uncertain significance for Abnormality of neuronal migration. Review status: no assertion criteria provided. Collection method: research. Allele origin: inherited, unknown. Inheritance: Autosomal recessive inheritance. Affected: yes and no. Observed: 6 variant alleles, 2 heterozygotes, 1 compound heterozygote. Not counted in ClinVar's aggregate classification.

Literature cited by the submitters: PubMed 31630790 (cited by 3 submitters); PubMed 32368696 (cited by Women's Health and Genetics/Laboratory Corporation of America, LabCorp).

NM_006659.4(TUBGCP2):c.889C>T (p.Arg297Cys)

Genes: TUBGCP2 (tubulin gamma complex component 2; minus strand), LOC126861106 (P300/CBP strongly-dependent group 1 enhancer GRCh37_chr10:135106330-135107529; plus strand). Cytogenetic location: 10q26.3.
Variant type: single nucleotide variant.
Coding change: c.889C>T on transcript NM_006659.4 (MANE Select); coding-DNA position 889, C replaced by T.
Protein change: p.Arg297Cys; replaces arginine 297 with cysteine.
Molecular consequence: missense variant. On other transcripts: non-coding transcript variant (1).
Genome position (GRCh38, 1-based): chr10:133,293,174, G>A on the plus strand (C>T on the coding strand, the complement: TUBGCP2 is on the minus strand). VCF-style: chr10-133293174-G-A. GRCh37 (hg19) VCF-style: chr10-135106678-G-A.
Other names: c.973C>T, p.Arg325Cys (NM_001256617.2); c.499C>T, p.Arg167Cys (NM_001256618.2); c.973C>T (NM_001256617.1); short protein forms R297C, R167C, R325C.
Identifiers: ClinVar variation 691861 (VCV000691861.44), dbSNP rs200129338, ClinGen allele CA5764330.
Genomic context (GRCh38, chr10:133,293,174, plus strand): 5'-CCTGCCTGTGCAGCTGCTCCAGCTGTGACACCAGAATCAGGTGCTCCTTCACCAGGGTGC[G>A]CATGGCGGCCGCCAGGGCGTGGTTCACCTGCCCGTACTCGAAGGAAGACTTCTCTTCAAT-3'
Protein context (NP_006650.1, residues 287-307): QVNHALAAAM[Arg297Cys]TLVKEHLILV